The following is an entry in ClinVar:

NM_006949.4(STXBP2):c.107C>G (p.Pro36Arg)

Gene: STXBP2 (syntaxin binding protein 2; plus strand). Cytogenetic location: 19p13.2.
Variant type: single nucleotide variant.
Coding change: c.107C>G on transcript NM_006949.4 (MANE Select); coding-DNA position 107, C replaced by G.
Protein change: p.Pro36Arg; replaces proline 36 with arginine.
Molecular consequence: missense variant. On other transcripts: non-coding transcript variant (1).
Genome position (GRCh38, 1-based): chr19:7,639,038, C>G. VCF-style: chr19-7639038-C-G. GRCh37 (hg19) VCF-style: chr19-7703924-C-G.
Other names: c.107C>G, p.Pro36Arg (NM_001127396.3, NM_001272034.2); short protein forms P36R.
Identifiers: ClinVar variation 1516740 (VCV001516740.5), dbSNP rs763199081, ClinGen allele CA9143134.

ClinVar aggregate classification (germline): Uncertain significance (1 of 4 stars; one submission).

Conditions:
Familial hemophagocytic lymphohistiocytosis 5. Also called: STXBP2-Related Familial Hemophagocytic Lymphohistiocytosis (STXBP2-fHLH). Identifiers: Orphanet 540, MedGen C2751293, MONDO:0013135, OMIM 613101.

Allele frequency attached by ClinVar (database versions not stated): TOPMed below 0.00001; ExAC 0.00001; gnomAD 0.00001; gnomAD exomes 0.00001.
gnomAD v4.1: 14 of 1,614,120 alleles (0.00087%); highest among the groups gnomAD compares: Non-Finnish European, 0.0012%; no homozygotes.

Submission:

Labcorp Genetics (formerly Invitae), Labcorp
Classification: Uncertain significance for Familial hemophagocytic lymphohistiocytosis 5. Last evaluated: 2022-08-09. Review status: criteria provided, single submitter. Criteria: Invitae Variant Classification Sherloc (09022015). Collection method: clinical testing. Allele origin: germline.
Comment: This sequence change replaces proline, which is neutral and non-polar, with arginine, which is basic and polar, at codon 36 of the STXBP2 protein (p.Pro36Arg). The frequency data for this variant in the population databases is considered unreliable, as metrics indicate poor data quality at this position in the gnomAD database. This variant has not been reported in the literature in individuals affected with STXBP2-related conditions. ClinVar contains an entry for this variant (Variation ID: 1516740). Algorithms developed to predict the effect of missense changes on protein structure and function are either unavailable or do not agree on the potential impact of this missense change (SIFT: "Tolerated"; PolyPhen-2: "Possibly Damaging"; Align-GVGD: "Class C0"). Algorithms developed to predict the effect of sequence changes on RNA splicing suggest that this variant may create or strengthen a splice site. In summary, the available evidence is currently insufficient to determine the role of this variant in disease. Therefore, it has been classified as a Variant of Uncertain Significance.